The following is an entry in ClinVar:

NM_007186.6(CEP250):c.956A>G (p.Asn319Ser)

Genes: CEP250 (centrosomal protein 250; plus strand), CEP250-AS1 (CEP250 antisense RNA 1; minus strand). Cytogenetic location: 20q11.22.
Variant type: single nucleotide variant.
Coding change: c.956A>G on transcript NM_007186.6 (MANE Select); coding-DNA position 956, A replaced by G.
Protein change: p.Asn319Ser; replaces asparagine 319 with serine.
Molecular consequence: missense variant. On other transcripts: 5 prime UTR variant (1).
Genome position (GRCh38, 1-based): chr20:35,472,057, A>G. VCF-style: chr20-35472057-A-G. GRCh37 (hg19) VCF-style: chr20-34059882-A-G.
Other names: c.-944A>G (NM_001318219.1); short protein forms N319S.
Identifiers: ClinVar variation 2117910 (VCV002117910.4), dbSNP rs2515658498, ClinGen allele CA408758835.

ClinVar aggregate classification (germline): Uncertain significance (1 of 4 stars; one submission).

Submission:

Labcorp Genetics (formerly Invitae), Labcorp
Classification: Uncertain significance. Last evaluated: 2022-03-26. Review status: criteria provided, single submitter. Criteria: Invitae Variant Classification Sherloc (09022015). Collection method: clinical testing. Allele origin: germline.
Comment: In summary, the available evidence is currently insufficient to determine the role of this variant in disease. Therefore, it has been classified as a Variant of Uncertain Significance. Algorithms developed to predict the effect of missense changes on protein structure and function are either unavailable or do not agree on the potential impact of this missense change (SIFT: "Not Available"; PolyPhen-2: "Possibly Damaging"; Align-GVGD: "Not Available"). This variant has not been reported in the literature in individuals affected with CEP250-related conditions. This variant is not present in population databases (gnomAD no frequency). This sequence change replaces asparagine, which is neutral and polar, with serine, which is neutral and polar, at codon 319 of the CEP250 protein (p.Asn319Ser).